The following is an entry in ClinVar:

ClinVar aggregate classification (germline): Conflicting classifications of pathogenicity. Review status: criteria provided, conflicting classifications (1 of 4 stars). 5 submissions from 5 submitters: Uncertain significance (3); Benign (1); Likely benign (1). Last evaluated 2026-01-18.

Conditions:
Classic or attenuated familial adenomatous polyposis. Identifiers: MedGen CN372698, MONDO:0021057.
Ovarian cancer. Also called: OVARIAN CANCER, SOMATIC. Identifiers: Orphanet 213500, MedGen C1140680, MONDO:0008170, OMIM 167000.
Familial adenomatous polyposis 1 (FAP1). Also called: FAMILIAL ADENOMATOUS POLYPOSIS 1, ATTENUATED; POLYPOSIS, ADENOMATOUS INTESTINAL. Identifiers: MedGen C2713442, MONDO:0021056, OMIM 175100. Disease mechanism: loss of function.
Hereditary cancer-predisposing syndrome. Also called: Tumor predisposition; Hereditary Cancer Syndrome; Hereditary neoplastic syndrome; Neoplastic Syndromes, Hereditary. Identifiers: Orphanet 140162, MedGen C0027672, MeSH D009386, MONDO:0015356.

Allele frequency attached by ClinVar (database versions not stated): gnomAD exomes 0.00001; TOPMed 0.00001; ExAC 0.00002.
gnomAD v4.1: 5 of 1,614,214 alleles (0.00031%); highest among the groups gnomAD compares: East Asian, 0.011%; no homozygotes.

Submissions (5):

Labcorp Genetics (formerly Invitae), Labcorp
Classification: Uncertain significance for Familial adenomatous polyposis 1. Last evaluated: 2026-01-18. Review status: criteria provided, single submitter. Criteria: Invitae Variant Classification Sherloc (09022015). Collection method: clinical testing. Allele origin: germline.
Comment: This sequence change replaces glutamic acid, which is acidic and polar, with aspartic acid, which is acidic and polar, at codon 911 of the APC protein (p.Glu911Asp). This variant is present in population databases (rs770018276, gnomAD 0.02%). This variant has not been reported in the literature in individuals affected with APC-related conditions. ClinVar contains an entry for this variant (Variation ID: 537524). Invitae Evidence Modeling of protein sequence and biophysical properties (such as structural, functional, and spatial information, amino acid conservation, physicochemical variation, residue mobility, and thermodynamic stability) indicates that this missense variant is not expected to disrupt APC protein function with a negative predictive value of 95%. In summary, the available evidence is currently insufficient to determine the role of this variant in disease. Therefore, it has been classified as a Variant of Uncertain Significance.

Color Diagnostics, LLC DBA Color Health
Classification: Uncertain significance for Hereditary cancer-predisposing syndrome. Last evaluated: 2024-03-07. Review status: criteria provided, single submitter. Criteria: ACMG Guidelines, 2015. Collection method: clinical testing. Allele origin: germline.
Comment: This missense variant replaces glutamic acid with aspartic acid at codon 911 of the APC protein. Computational prediction suggests that this variant may not impact protein structure and function (internally defined REVEL score threshold <= 0.5, PMID: 27666373). Splice site prediction tools suggest that this variant may not impact RNA splicing. To our knowledge, functional studies have not been performed for this variant. This variant has not been reported in individuals affected with hereditary cancer in the literature. This variant has been identified in 3/251078 chromosomes in the general population by the Genome Aggregation Database (gnomAD). The available evidence is insufficient to determine the role of this variant in disease conclusively. Therefore, this variant is classified as a Variant of Uncertain Significance.

All of Us Research Program, National Institutes of Health
Classification: Uncertain significance for Classic or attenuated familial adenomatous polyposis. Last evaluated: 2024-03-05. Review status: criteria provided, single submitter. Criteria: ACMG Guidelines, 2015. Collection method: clinical testing. Allele origin: germline. Inheritance: Autosomal dominant inheritance. Observed: 1 variant allele, 1 heterozygote.
Comment: This missense variant replaces glutamic acid with aspartic acid at codon 911 of the APC protein. Computational prediction suggests that this variant may not impact protein structure and function (internally defined REVEL score threshold <= 0.5, PMID: 27666373). Splice site prediction tools suggest that this variant may not impact RNA splicing. To our knowledge, functional studies have not been performed for this variant. This variant has not been reported in individuals affected with hereditary cancer in the literature. This variant has been identified in 3/251078 chromosomes in the general population by the Genome Aggregation Database (gnomAD). The available evidence is insufficient to determine the role of this variant in disease conclusively. Therefore, this variant is classified as a Variant of Uncertain Significance.

This study involves interpretation of variants in research participants for the purpose of population health screening. Participant phenotype was not available at the time of variant classification. Additional details can be found in publication PMID: 35346344, PMCID: PMC8962531

Ambry Genetics
Classification: Likely benign for Hereditary cancer-predisposing syndrome. Last evaluated: 2022-01-13. Review status: criteria provided, single submitter. Criteria: Ambry Variant Classification Scheme 2023. Collection method: clinical testing. Allele origin: germline.

Laboratory of Molecular Epidemiology of Birth Defects, West China Second University Hospital, Sichuan University
Classification: Benign for Ovarian cancer. Last evaluated: 2022-01-01. Review status: criteria provided, single submitter. Criteria: ACMG Guidelines, 2015. Collection method: clinical testing. Allele origin: germline. Affected: yes.

NM_000038.6(APC):c.2733A>T (p.Glu911Asp)

Gene: APC (APC regulator of Wnt signaling pathway; plus strand). Cytogenetic location: 5q22.2.
Variant type: single nucleotide variant.
Coding change: c.2733A>T on transcript NM_000038.6 (MANE Select); coding-DNA position 2733, A replaced by T.
Protein change: p.Glu911Asp; replaces glutamic acid 911 with aspartic acid.
Molecular consequence: missense variant.
Genome position (GRCh38, 1-based): chr5:112,838,327, A>T. VCF-style: chr5-112838327-A-T. GRCh37 (hg19) VCF-style: chr5-112174024-A-T.
Other names: c.2733A>T, p.Glu911Asp (NM_001127510.3, NM_001354895.2); c.2679A>T, p.Glu893Asp (NM_001127511.3); c.2787A>T, p.Glu929Asp (NM_001354896.2); c.2763A>T, p.Glu921Asp (NM_001354897.2); c.2658A>T, p.Glu886Asp (NM_001354898.2); c.2649A>T, p.Glu883Asp (NM_001354899.2); c.2610A>T, p.Glu870Asp (NM_001354900.2); c.2556A>T, p.Glu852Asp (NM_001354901.2); and 5 more; short protein forms E911D, E893D, E628D, E785D, E886D, E820D, E870D, E883D.
Identifiers: ClinVar variation 537524 (VCV000537524.16), dbSNP rs770018276, ClinGen allele CA033174.